The following is an entry in ClinVar:

NM_022075.5(CERS2):c.799G>A (p.Val267Ile)

Gene: CERS2 (ceramide synthase 2; minus strand). Cytogenetic location: 1q21.3.
Variant type: single nucleotide variant.
Coding change: c.799G>A on transcript NM_022075.5 (MANE Select); coding-DNA position 799, G replaced by A.
Protein change: p.Val267Ile; replaces valine 267 with isoleucine.
Molecular consequence: missense variant.
Genome position (GRCh38, 1-based): chr1:150,966,805, C>T on the plus strand (G>A on the coding strand, the complement: CERS2 is on the minus strand). VCF-style: chr1-150966805-C-T. GRCh37 (hg19) VCF-style: chr1-150939281-C-T.
Other names: c.799G>A, p.Val267Ile (NM_181746.4); short protein forms V267I.
Identifiers: ClinVar variation 2639166 (VCV002639166.24), dbSNP rs149992226, ClinGen allele CA1082450.

ClinVar aggregate classification (germline): Likely benign (1 of 4 stars; one submission).

Allele frequency attached by ClinVar (database versions not stated): 1000 Genomes Project 0.00140; 1000 Genomes Project 30x 0.00141; gnomAD 0.00402; TOPMed 0.00414; ExAC 0.00440; ESP Exome Variant Server 0.00523; gnomAD exomes 0.00573.

Submission:

CeGaT Center for Human Genetics Tuebingen
Classification: Likely benign. Last evaluated: 2022-07-01. Review status: criteria provided, single submitter. Criteria: CeGaT Center For Human Genetics Tuebingen Variant Classification Criteria Version 2. Collection method: clinical testing. Allele origin: germline. Affected: yes. Observed: 1 variant allele.
Comment: CERS2: BP4, BS2